The following is an entry in ClinVar:

ClinVar aggregate classification (germline): Uncertain significance (1 of 4 stars; one submission).

gnomAD v4.1: 1 of 1,613,822 alleles (0.000062%); no homozygotes.

Submission:

GeneDx
Classification: Uncertain significance. Last evaluated: 2024-04-06. Review status: criteria provided, single submitter. Criteria: GeneDx Variant Classification Process June 2021. Collection method: clinical testing. Allele origin: germline. Affected: yes.
Comment: This substitution is predicted to be within the transmembrane segment S5 of the fourth homologous domain; Not observed at significant frequency in large population cohorts (gnomAD); In silico analysis indicates that this missense variant does not alter protein structure/function; Has not been previously published as pathogenic or benign to our knowledge

NM_001165963.4(SCN1A):c.5056A>G (p.Ile1686Val)

Genes: SCN1A (sodium voltage-gated channel alpha subunit 1; minus strand), LOC102724058 (uncharacterized LOC102724058; plus strand). Cytogenetic location: 2q24.3.
Variant type: single nucleotide variant.
Coding change: c.5056A>G on transcript NM_001165963.4 (MANE Select); coding-DNA position 5056, A replaced by G.
Protein change: p.Ile1686Val; replaces isoleucine 1686 with valine.
Molecular consequence: missense variant. On other transcripts: non-coding transcript variant (1).
Genome position (GRCh38, 1-based): chr2:165,992,219, T>C on the plus strand (A>G on the coding strand, the complement: SCN1A is on the minus strand). VCF-style: chr2-165992219-T-C. GRCh37 (hg19) VCF-style: chr2-166848729-T-C.
Other names: c.4972A>G, p.Ile1658Val (NM_001165964.3, NM_001353957.2, NM_001353958.2); c.5056A>G, p.Ile1686Val (NM_001202435.3, NM_001353948.2); c.5023A>G, p.Ile1675Val (NM_001353949.2, NM_001353950.2, NM_001353951.2 and 2 more transcripts); c.5020A>G, p.Ile1674Val (NM_001353954.2, NM_001353955.2); c.4969A>G, p.Ile1657Val (NM_001353960.2); c.2614A>G, p.Ile872Val (NM_001353961.2); short protein forms I1657V, I1658V, I1674V, I1675V, I1686V, I872V.
Identifiers: ClinVar variation 3371468 (VCV003371468.1).